The following is an entry in ClinVar:

NM_014324.6(AMACR):c.94G>A (p.Val32Ile)

Genes: C1QTNF3-AMACR (C1QTNF3-AMACR readthrough (NMD candidate); minus strand), AMACR (alpha-methylacyl-CoA racemase; minus strand). Cytogenetic location: 5p13.2.
Variant type: single nucleotide variant.
Coding change: c.94G>A on transcript NM_014324.6 (MANE Select); coding-DNA position 94, G replaced by A.
Protein change: p.Val32Ile; replaces valine 32 with isoleucine.
Molecular consequence: missense variant.
Genome position (GRCh38, 1-based): chr5:34,007,926, C>T on the plus strand (G>A on the coding strand, the complement: AMACR is on the minus strand). VCF-style: chr5-34007926-C-T. GRCh37 (hg19) VCF-style: chr5-34008031-C-T.
Other names: c.94G>A, p.Val32Ile (NM_001167595.2, NM_203382.3); short protein forms V32I.
Identifiers: ClinVar variation 1387544 (VCV001387544.5), dbSNP rs762048386, ClinGen allele CA3226297.

ClinVar aggregate classification (germline): Uncertain significance (1 of 4 stars; one submission).

Conditions:
Alpha-methylacyl-CoA racemase deficiency (AMACRD). Also called: AMACR deficiency. Identifiers: Orphanet 79095, MedGen C3280428, MONDO:0013681, OMIM 614307. Disease mechanism: loss of function.

Allele frequency attached by ClinVar (database versions not stated): gnomAD exomes below 0.00001; ExAC 0.00001.

Submission:

Labcorp Genetics (formerly Invitae), Labcorp
Classification: Uncertain significance for Alpha-methylacyl-CoA racemase deficiency. Last evaluated: 2021-12-02. Review status: criteria provided, single submitter. Criteria: Invitae Variant Classification Sherloc (09022015). Collection method: clinical testing. Allele origin: germline.
Comment: This sequence change replaces valine, which is neutral and non-polar, with isoleucine, which is neutral and non-polar, at codon 32 of the AMACR protein (p.Val32Ile). This variant is present in population databases (rs762048386, gnomAD 0.003%). This variant has not been reported in the literature in individuals affected with AMACR-related conditions. Algorithms developed to predict the effect of missense changes on protein structure and function output the following: SIFT: "Tolerated"; PolyPhen-2: "Benign"; Align-GVGD: "Class C0". The isoleucine amino acid residue is found in multiple mammalian species, which suggests that this missense change does not adversely affect protein function. In summary, the available evidence is currently insufficient to determine the role of this variant in disease. Therefore, it has been classified as a Variant of Uncertain Significance.